The following is an entry in ClinVar:

NM_152618.3(BBS12):c.1209G>C (p.Val403=)

Gene: BBS12 (Bardet-Biedl syndrome 12; plus strand). Cytogenetic location: 4q27.
Variant type: single nucleotide variant.
Coding change: c.1209G>C on transcript NM_152618.3 (MANE Select); coding-DNA position 1209, G replaced by C.
Protein change: p.Val403=; no amino-acid change (valine 403 retained).
Molecular consequence: synonymous variant.
Genome position (GRCh38, 1-based): chr4:122,743,101, G>C. VCF-style: chr4-122743101-G-C. GRCh37 (hg19) VCF-style: chr4-123664256-G-C.
Other names: c.1209G>C, p.Val403= (NM_001178007.2); c.1209G>C (NM_152618.2).
Identifiers: ClinVar variation 1156852 (VCV001156852.8), dbSNP rs17006092, ClinGen allele CA441120925.
Genomic context (GRCh38, chr4:122,743,101, plus strand): 5'-TAGCATGCGGCTTCAAGAAGACAGCTCAGAAGAACTGTGGGCAAATCACGTGTTACAGGT[G>C]TTAATCCAGTTCAAGGTGAACCTTGTCCTGGTACAAGGAAATGTGTCCGAACGCTTAATT-3'
Protein context (NP_689831.2, residues 393-413): EELWANHVLQ[Val403=]LIQFKVNLVL

ClinVar aggregate classification (germline): Likely benign. Review status: criteria provided, multiple submitters, no conflicts (2 of 4 stars). 2 submissions from 2 submitters: Likely benign (2). Last evaluated 2026-03-23.

Conditions:
BBS12-related disorder. Also called: BBS12-related condition.
Bardet-Biedl syndrome (BBS). Identifiers: Orphanet 110, MedGen C0752166, MONDO:0015229.

gnomAD v4.1: 1 of 1,614,084 alleles (0.000062%); highest among the groups gnomAD compares: Admixed American, 0.0017%; no homozygotes.

Submissions (2):

PreventionGenetics, part of Exact Sciences
Classification: Likely benign for BBS12-related condition. Last evaluated: 2026-03-23. Review status: criteria provided, single submitter. Criteria: ACMG Guidelines, 2015. Collection method: clinical testing. Allele origin: germline.
Comment: This variant is classified as likely benign based on ACMG/AMP sequence variant interpretation guidelines (Richards et al. 2015 PMID: 25741868, with internal and published modifications).

Labcorp Genetics (formerly Invitae), Labcorp
Classification: Likely benign for Bardet-Biedl syndrome. Last evaluated: 2023-01-31. Review status: criteria provided, single submitter. Criteria: Invitae Variant Classification Sherloc (09022015). Collection method: clinical testing. Allele origin: germline.